The following is an entry in ClinVar:

ClinVar aggregate classification (germline): Uncertain significance. Review status: criteria provided, multiple submitters, no conflicts (2 of 4 stars). 2 submissions from 2 submitters: Uncertain significance (2). Last evaluated 2025-09-01.

Conditions:
Hereditary cancer-predisposing syndrome. Also called: Tumor predisposition; Hereditary Cancer Syndrome; Neoplastic Syndromes, Hereditary; Hereditary neoplastic syndrome. Identifiers: Orphanet 140162, MedGen C0027672, MeSH D009386, MONDO:0015356.
DICER1-related tumor predisposition. Also called: DICER1-related pleuropulmonary blastoma cancer predisposition syndrome; DICER1 syndrome. Identifiers: Orphanet 284343, MedGen C3839822, MONDO:0100216.

Allele frequency attached by ClinVar (database versions not stated): ExAC 0.00001.

Submissions (2):

Labcorp Genetics (formerly Invitae), Labcorp
Classification: Uncertain significance for DICER1-related tumor predisposition. Last evaluated: 2025-09-01. Review status: criteria provided, single submitter. Criteria: Invitae Variant Classification Sherloc (09022015). Collection method: clinical testing. Allele origin: germline.
Comment: This sequence change replaces isoleucine, which is neutral and non-polar, with valine, which is neutral and non-polar, at codon 1108 of the DICER1 protein (p.Ile1108Val). This variant is present in population databases (rs751551790, gnomAD 0.0009%). This variant has not been reported in the literature in individuals affected with DICER1-related conditions. ClinVar contains an entry for this variant (Variation ID: 863435). Invitae Evidence Modeling of protein sequence and biophysical properties (such as structural, functional, and spatial information, amino acid conservation, physicochemical variation, residue mobility, and thermodynamic stability) indicates that this missense variant is not expected to disrupt DICER1 protein function with a negative predictive value of 95%. In summary, the available evidence is currently insufficient to determine the role of this variant in disease. Therefore, it has been classified as a Variant of Uncertain Significance.

Ambry Genetics
Classification: Uncertain significance for Hereditary cancer-predisposing syndrome. Last evaluated: 2023-07-10. Review status: criteria provided, single submitter. Criteria: Ambry Variant Classification Scheme 2023. Collection method: clinical testing. Allele origin: germline.
Comment: The p.I1108V variant (also known as c.3322A>G), located in coding exon 20 of the DICER1 gene, results from an A to G substitution at nucleotide position 3322. The isoleucine at codon 1108 is replaced by valine, an amino acid with highly similar properties. This amino acid position is highly conserved in available vertebrate species. In addition, this alteration is predicted to be tolerated by in silico analysis. Since supporting evidence is limited at this time, the clinical significance of this alteration remains unclear.

NM_177438.3(DICER1):c.3322A>G (p.Ile1108Val)

Gene: DICER1 (dicer 1, ribonuclease III; minus strand). Cytogenetic location: 14q32.13.
Variant type: single nucleotide variant.
Coding change: c.3322A>G on transcript NM_177438.3 (MANE Select); coding-DNA position 3322, A replaced by G.
Protein change: p.Ile1108Val; replaces isoleucine 1108 with valine.
Molecular consequence: missense variant.
Genome position (GRCh38, 1-based): chr14:95,104,074, T>C on the plus strand (A>G on the coding strand, the complement: DICER1 is on the minus strand). VCF-style: chr14-95104074-T-C. GRCh37 (hg19) VCF-style: chr14-95570411-T-C.
Other names: c.3322A>G, p.Ile1108Val (NM_001195573.1, NM_001271282.3, NM_001291628.2 and 1 more transcripts); short protein forms I1108V.
Identifiers: ClinVar variation 863435 (VCV000863435.12), dbSNP rs751551790, ClinGen allele CA7331056.